The following is an entry in ClinVar:

ClinVar aggregate classification (germline): Pathogenic (1 of 4 stars; one submission).

Conditions:
Rare genetic deafness. Identifiers: Orphanet 96210, MedGen C5680250.

Submission:

Laboratory for Molecular Medicine, Mass General Brigham Personalized Medicine
Classification: Pathogenic for Rare genetic deafness. Last evaluated: 2018-04-05. Review status: criteria provided, single submitter. Criteria: LMM Criteria. Collection method: clinical testing. Allele origin: germline. Inheritance: Autosomal recessive inheritance. Observed: 2 variant alleles.
Comment: The deletion of exons 2-67 in ADGRV1 has not been previously reported in individ uals with Usher syndrome and was not identified in large population studies. Thi s variant is a deletion of exons 2-67 of the 90 total exons of the ADGRV1 gene; however, exact breakpoints of the deletion could not be determined due to limita tions of the testing methodology. A deletion of exons 2-67 is predicted to be ou t-of-frame and result in a truncated or absent protein. Furthermore, the presenc e of this variant in trans with a pathogenic variant in an individual with heari ng loss supports pathogenicity for the deletion of exons 2-67. In summary, this variant meets criteria to be classified as pathogenic for autosomal recessive Us her syndrome based upon the predicted impact of the variant, low frequency in th e general population and presence in trans with a pathogenic variant. ACMG/AMP C riteria applied: PVS1, PM2, PM3.

NC_000005.10:g.(?_90614729)_(90784051_?)del

Gene: ADGRV1 (adhesion G protein-coupled receptor V1; plus strand). Cytogenetic location: 5q14.3.
Variant type: Deletion.
Identifiers: ClinVar variation 666992 (VCV000666992.4).